The following is an entry in ClinVar:

NM_000455.5(STK11):c.932A>G (p.Lys311Arg)

Gene: STK11 (serine/threonine kinase 11; plus strand). Cytogenetic location: 19p13.3.
Variant type: single nucleotide variant.
Coding change: c.932A>G on transcript NM_000455.5 (MANE Select); coding-DNA position 932, A replaced by G.
Protein change: p.Lys311Arg; replaces lysine 311 with arginine.
Molecular consequence: missense variant.
Genome position (GRCh38, 1-based): chr19:1,222,996, A>G. VCF-style: chr19-1222996-A-G. GRCh37 (hg19) VCF-style: chr19-1222995-A-G.
Other names: short protein forms K311R.
Identifiers: ClinVar variation 845811 (VCV000845811.9), dbSNP rs2080795745, ClinGen allele CA402951454.

ClinVar aggregate classification (germline): Uncertain significance (1 of 4 stars; one submission).

Conditions:
Peutz-Jeghers syndrome (PJS). Also called: POLYPOSIS, HAMARTOMATOUS INTESTINAL; POLYPS-AND-SPOTS SYNDROME; Peutz-Jeghers polyposis; Periorificial lentiginosis syndrome. Identifiers: Orphanet 2869, MedGen C0031269, MeSH D010580, MONDO:0008280, OMIM 175200.

Submission:

Labcorp Genetics (formerly Invitae), Labcorp
Classification: Uncertain significance for Peutz-Jeghers syndrome. Last evaluated: 2025-10-06. Review status: criteria provided, single submitter. Criteria: Invitae Variant Classification Sherloc (09022015). Collection method: clinical testing. Allele origin: germline.
Comment: This sequence change replaces lysine, which is basic and polar, with arginine, which is basic and polar, at codon 311 of the STK11 protein (p.Lys311Arg). This variant is not present in population databases (gnomAD no frequency). This variant has not been reported in the literature in individuals affected with STK11-related conditions. ClinVar contains an entry for this variant (Variation ID: 845811). Invitae Evidence Modeling of protein sequence and biophysical properties (such as structural, functional, and spatial information, amino acid conservation, physicochemical variation, residue mobility, and thermodynamic stability) has been performed for this missense variant. However, the output from this modeling did not meet the statistical confidence thresholds required to predict the impact of this variant on STK11 protein function. In summary, the available evidence is currently insufficient to determine the role of this variant in disease. Therefore, it has been classified as a Variant of Uncertain Significance.